The following is an entry in ClinVar:

ClinVar aggregate classification (germline): Likely pathogenic. Review status: reviewed by expert panel (3 of 4 stars). 9 submissions from 9 submitters: Likely pathogenic (1). 8 of the submissions do not count toward it. Last evaluated 2022-01-14.

Conditions:
PAH-related disorder. Also called: PAH-related condition.
Mild non-PKU hyperphenylalanemia. Also called: HYPERPHENYLALANINEMIA, NON-PKU MILD; HPA, NON-PKU MILD. Identifiers: MedGen C2678416.
Phenylketonuria (PKU). Also called: Phenylketonuria (PKU); Phenylketonurias; OLIGOPHRENIA PHENYLPYRUVICA; FOLLING DISEASE. Identifiers: Orphanet 716, MedGen C0031485, MONDO:0009861, OMIM 261600. Disease mechanism: loss of function.

Allele frequency attached by ClinVar (database versions not stated): gnomAD 0.00001 and below 0.00001; gnomAD exomes 0.00002 and 0.00001; ExAC 0.00001.
gnomAD v4.1: 15 of 1,614,014 alleles (0.00093%); highest among the groups gnomAD compares: South Asian, 0.016%; no homozygotes.

Submissions (9):

ClinGen PAH Variant Curation Expert Panel
Classification: Likely pathogenic for Phenylketonuria. Last evaluated: 2022-01-14. Review status: reviewed by expert panel. Criteria: ClinGen PAH ACMG Specifications v1. Collection method: curation. Allele origin: germline. Inheritance: Autosomal recessive inheritance.
Comment: A deleterious effect is predicted in SIFT, Polyphen-2, MutationTaster, and REVEL=0.846. In summary, this variant meets criteria to be classified as likely pathogenic for PAH. PAH-specific ACMG/AMP criteria applied: PP4_Moderate, PM2, PM3_supporting, PP3.

Labcorp Genetics (formerly Invitae), Labcorp
Classification: Pathogenic for Phenylketonuria. Last evaluated: 2025-12-16. Review status: criteria provided, single submitter. Criteria: Invitae Variant Classification Sherloc (09022015). Collection method: clinical testing. Allele origin: germline. Not counted in ClinVar's aggregate classification.
Comment: This sequence change replaces leucine, which is neutral and non-polar, with serine, which is neutral and polar, at codon 98 of the PAH protein (p.Leu98Ser). This variant is present in population databases (rs62517167, gnomAD 0.02%). This missense change has been observed in individual(s) with hyperphenylalaninemia (PMID: 26542770, 32668217). ClinVar contains an entry for this variant (Variation ID: 627). Invitae Evidence Modeling of protein sequence and biophysical properties (such as structural, functional, and spatial information, amino acid conservation, physicochemical variation, residue mobility, and thermodynamic stability) indicates that this missense variant is not expected to disrupt PAH protein function with a negative predictive value of 80%. This variant disrupts the p.Leu98 amino acid residue in PAH. Other variant(s) that disrupt this residue have been determined to be pathogenic (PMID: 26322415). This suggests that this residue is clinically significant, and that variants that disrupt this residue are likely to be disease-causing. For these reasons, this variant has been classified as Pathogenic.

Women's Health and Genetics/Laboratory Corporation of America, LabCorp
Classification: Uncertain significance. Last evaluated: 2023-07-18. Review status: criteria provided, single submitter. Criteria: LabCorp Variant Classification Summary - May 2015. Collection method: clinical testing. Allele origin: germline. Not counted in ClinVar's aggregate classification.
Comment: Variant summary: PAH c.293T>C (p.Leu98Ser) results in a non-conservative amino acid change located in the ACT domain (IPR002912) of the encoded protein sequence. Five of five in-silico tools predict a damaging effect of the variant on protein function. The variant allele was found at a frequency of 1.6e-05 in 251448 control chromosomes (gnomAD). c.293T>C has been reported in the literature in the homozygous state in an individual affected with Hyperphenylalaninemia who has subsequently been cited by others (Guldberg_1993, Bayat_2016, Hillert_2020). These data indicate that the variant may be associated with disease. To our knowledge, no experimental evidence demonstrating an impact on protein function has been reported. However, another variant affecting the same amino acid (L98V) has been observed in at least one affected individual and has been classified as likely pathogenic, suggesting Leu98 may be important for protein function. The following publications have been ascertained in the context of this evaluation (PMID: 26542770, 8364546, 32668217). Four submitters, including the ClinGen PAH Variant Curation Expert Panel, have cited clinical-significance assessments for this variant to ClinVar after 2014 and classified the variant as pathogenic (n=1)/likely pathogenic (n=2) and VUS (n=1). Based on the evidence outlined above, the variant was classified as VUS-possibly pathogenic until further clinical and/or functional information becomes available.

Laboratory for Molecular Medicine, Mass General Brigham Personalized Medicine
Classification: Likely pathogenic for Phenylketonuria. Last evaluated: 2023-02-06. Review status: criteria provided, single submitter. Criteria: ACMG Guidelines, 2015. Collection method: clinical testing. Allele origin: germline. Inheritance: Autosomal recessive inheritance. Not counted in ClinVar's aggregate classification.
Comment: The p.Leu98Ser variant in PAH has been reported in at least 4 individuals with phenylalanine hydroxylase deficiency (mild non-PKU hyperphenylalaninemia, mild PKU) who were either homozygous or compound heterozygous with another pathogenic variant (Guldberg 1993 PMID: 8364546, Bayat 2016 PMID: 26542770, Hillert 2020 PMID: 32668217). It has also been identified in 0.02% (1/4822) of South Asian chromosomes by gnomAD. This variant has been reported as likely pathogenic by the ClinGen PAH Variant Curation Expert Panel using the ACMG-AMP criteria specific for phenylalanine hydroxylase variants (Zastrow 2018 PMID: 30311390) and is curated in the FDA-recognized human genetic variant ClinVar database (Variation ID 627). Computational prediction tools and conservation analyses suggest the variant may impact the protein this codon (p.Leu98Val) have been identified in individuals with phenylalanine hydroxylase deficiency and is classified as pathogenic by the ClinGen PAH Variant Curation Expert Panel. In summary, although additional studies are required to fully establish its clinical significance, this variant meets criteria to be classified as likely pathogenic autosomal recessive phenylalanine hydroxylase deficiency. ACMG/AMP Criteria applied: PM3, PM2_Supporting, PP3, PP4_Moderate, PM5.

GeneDx
Classification: Likely pathogenic. Last evaluated: 2020-09-10. Review status: criteria provided, single submitter. Criteria: GeneDx Variant Classification Process June 2021. Collection method: clinical testing. Allele origin: germline. Affected: yes. Not counted in ClinVar's aggregate classification.
Comment: Not observed at a significant frequency in large population cohorts (Lek et al., 2016); This variant is associated with the following publications: (PMID: 26542770, 8364546, 9634518, 10527663)

PreventionGenetics, part of Exact Sciences
Classification: Uncertain significance for PAH-related condition. Last evaluated: 2024-02-13. Review status: no assertion criteria provided. Collection method: clinical testing. Allele origin: germline. Not counted in ClinVar's aggregate classification.
Comment: The PAH c.293T>C variant is predicted to result in the amino acid substitution p.Leu98Ser. This variant has been reported in the homozygous state in at least one patient with hyperphenylalaninemia (Guldberg et al. 1993. PubMed ID: 8364546; Bayat et al. 2016. PubMed ID: 26542770; Table S3, Hillert et al. 2020. PubMed ID: 32668217). It has also been listed in an unclassified variant in a large study of patients with hyperphenylalaninemia, although no additional evidence that could help determine the pathogenicity of this variant was provided (Guldberg et al. 1998. PubMed ID: 9634518). A different substitution of the same amino acid (p.Leu98Val) has been reported, in the compound heterozygous state with the common p.Arg408Trp pathogenic variant, in a patient with mild phenylketonuria (Tao et al. 2015. PubMed ID: 26322415). Although we suspect that the c.293T>C (p.Leu98Ser) variant could possibly be pathogenic, at this time its clinical significance is uncertain due to the absence of conclusive functional and genetic evidence.

Counsyl
Classification: Uncertain significance for Phenylketonuria. Last evaluated: 2017-07-27. Review status: no assertion criteria provided. Collection method: clinical testing. Allele origin: unknown. Not counted in ClinVar's aggregate classification.

OMIM
Classification: Pathogenic for HYPERPHENYLALANINEMIA, NON-PKU MILD. Last evaluated: 1993-07-01. Review status: no assertion criteria provided. Collection method: literature only. Allele origin: germline. Not counted in ClinVar's aggregate classification.

DeBelle Laboratory for Biochemical Genetics, MUHC/MCH RESEARCH INSTITUTE
No classification provided. Review status: no classification provided. Collection method: not provided. Allele origin: not provided. Not counted in ClinVar's aggregate classification.

Literature cited by the submitters: PubMed 9634518 (cited by ClinGen PAH Variant Curation Expert Panel); PubMed 8364546 (cited by 4 submitters); PubMed 26542770 (cited by Labcorp Genetics (formerly Invitae), Labcorp and Women's Health and Genetics/Laboratory Corporation of America, LabCorp); PubMed 32668217 (cited by Labcorp Genetics (formerly Invitae), Labcorp and Women's Health and Genetics/Laboratory Corporation of America, LabCorp); PubMed 26322415 (cited by Labcorp Genetics (formerly Invitae), Labcorp); PubMed 10527663 (cited by Counsyl).

NM_000277.3(PAH):c.293T>C (p.Leu98Ser)

Gene: PAH (phenylalanine hydroxylase; minus strand). Cytogenetic location: 12q23.2.
Variant type: single nucleotide variant.
Coding change: c.293T>C on transcript NM_000277.3 (MANE Select); coding-DNA position 293, T replaced by C.
Protein change: p.Leu98Ser; replaces leucine 98 with serine.
Molecular consequence: missense variant.
Genome position (GRCh38, 1-based): chr12:102,894,794, A>G on the plus strand (T>C on the coding strand, the complement: PAH is on the minus strand). VCF-style: chr12-102894794-A-G. GRCh37 (hg19) VCF-style: chr12-103288572-A-G.
Other names: NM_000277.2(PAH):c.293T>C; c.293T>C, p.Leu98Ser (NM_001354304.2); short protein forms L98S.
Identifiers: ClinVar variation 627 (VCV000000627.20), dbSNP rs62517167, ClinGen allele CA114368.